The following is an entry in ClinVar:

ClinVar aggregate classification (germline): Uncertain significance (1 of 4 stars; one submission).

Submission:

Labcorp Genetics (formerly Invitae), Labcorp
Classification: Uncertain significance. Last evaluated: 2022-03-03. Review status: criteria provided, single submitter. Criteria: Invitae Variant Classification Sherloc (09022015). Collection method: clinical testing. Allele origin: germline.
Comment: In summary, the available evidence is currently insufficient to determine the role of this variant in disease. Therefore, it has been classified as a Variant of Uncertain Significance. This variant has not been reported in the literature in individuals affected with SLC39A7-related conditions. This variant is not present in population databases (gnomAD no frequency). This sequence change creates a premature translational stop signal (p.His31Serfs*2) in the SLC39A7 gene. It is expected to result in an absent or disrupted protein product. However, the current clinical and genetic evidence is not sufficient to establish whether loss-of-function variants in SLC39A7 cause disease.

NM_006979.3(SLC39A7):c.89dup (p.His31fs)

Gene: SLC39A7 (solute carrier family 39 member 7; plus strand). Cytogenetic location: 6p21.32.
Variant type: Duplication.
Coding change: c.89dup on transcript NM_006979.3 (MANE Select); coding-DNA position 89, one base duplicated (G; older notation c.89dupG).
Protein change: p.His31fs; shifts the reading frame from histidine 31.
Molecular consequence: frameshift variant. On other transcripts: 5 prime UTR variant (1).
Genome position (GRCh38, 1-based): chr6:33,201,334, G duplicated; the last of 5 consecutive G bases (chr6:33,201,330-33,201,334); duplicating any one gives the same sequence. VCF-style (leftmost placement, unchanged base first): chr6-33201329-C-CG. GRCh37 (hg19) VCF-style: chr6-33169106-C-CG.
Other names: c.89dup, p.His31fs (NM_001077516.2); c.-3dup (NM_001288777.2); short protein forms H31fs.
Identifiers: ClinVar variation 1353737 (VCV001353737.6), dbSNP rs2150681133, ClinGen allele CA2573140200.